The following is an entry in ClinVar:

NM_000264.5(PTCH1):c.353C>T (p.Ala118Val)

Gene: PTCH1 (patched 1; minus strand). Cytogenetic location: 9q22.32.
Variant type: single nucleotide variant.
Coding change: c.353C>T on transcript NM_000264.5 (MANE Select); coding-DNA position 353, C replaced by T.
Protein change: p.Ala118Val; replaces alanine 118 with valine.
Molecular consequence: missense variant. On other transcripts: 5 prime UTR variant (4), non-coding transcript variant (1).
Genome position (GRCh38, 1-based): chr9:95,506,448, G>A on the plus strand (C>T on the coding strand, the complement: PTCH1 is on the minus strand). VCF-style: chr9-95506448-G-A. GRCh37 (hg19) VCF-style: chr9-98268730-G-A.
Other names: c.155C>T, p.Ala52Val (NM_001083602.3, NM_001354919.2); c.350C>T, p.Ala117Val (NM_001083603.3); c.-101C>T (NM_001083604.3, NM_001083605.3, NM_001083606.3 and 1 more transcripts); c.353C>T, p.Ala118Val (NM_001354918.2); short protein forms A118V, A117V, A52V.
Identifiers: ClinVar variation 3939977 (VCV003939977.2).

ClinVar aggregate classification (germline): Uncertain significance. Review status: criteria provided, multiple submitters, no conflicts (2 of 4 stars). 2 submissions from 2 submitters: Uncertain significance (2). Last evaluated 2025-05-19.

Conditions:
Hereditary cancer-predisposing syndrome. Also called: Neoplastic Syndromes, Hereditary; Tumor predisposition; Hereditary Cancer Syndrome; Hereditary neoplastic syndrome. Identifiers: Orphanet 140162, MedGen C0027672, MeSH D009386, MONDO:0015356.

Submissions (2):

Ambry Genetics
Classification: Uncertain significance for Hereditary cancer-predisposing syndrome. Last evaluated: 2025-05-19. Review status: criteria provided, single submitter. Criteria: Ambry Variant Classification Scheme 2023. Collection method: clinical testing. Allele origin: germline.
Comment: The p.A118V variant (also known as c.353C>T), located in coding exon 2 of the PTCH1 gene, results from a C to T substitution at nucleotide position 353. The alanine at codon 118 is replaced by valine, an amino acid with similar properties. This amino acid position is conserved. In addition, the in silico prediction for this alteration is inconclusive. Based on the available evidence, the clinical significance of this variant remains unclear.

Blueprint Genetics
Classification: Uncertain significance. Last evaluated: 2023-05-05. Review status: criteria provided, single submitter. Criteria: ACMG Guidelines, 2015. Collection method: clinical testing. Allele origin: germline.